The following is an entry in ClinVar:

ClinVar aggregate classification (germline): Pathogenic/Likely pathogenic. Review status: criteria provided, multiple submitters, no conflicts (2 of 4 stars). 3 submissions from 3 submitters: Pathogenic (2); Likely pathogenic (1). Last evaluated 2025-03-21.

Conditions:
Familial renal glucosuria (GLYS). Also called: RENAL GLUCOSURIA, AUTOSOMAL DOMINANT; Familial renal glycosuria. Identifiers: Orphanet 69076, MedGen C3245525, MONDO:0009297, OMIM 233100.

Allele frequency attached by ClinVar (database versions not stated): gnomAD exomes 0.00001; ExAC 0.00002.

Submissions (3):

First Genomix Gene Laboratory, Genetic Diagnostics Department
Classification: Pathogenic for Familial renal glucosuria. Last evaluated: 2025-03-21. Review status: criteria provided, single submitter. Criteria: ACMG Guidelines, 2015. Collection method: clinical testing. Allele origin: germline. Inheritance: Autosomal recessive inheritance. Affected: no. Observed: 1 variant allele.

Fulgent Genetics
Classification: Pathogenic for Familial renal glucosuria. Last evaluated: 2024-05-16. Review status: criteria provided, single submitter. Criteria: ACMG Guidelines, 2015. Collection method: clinical testing. Allele origin: germline.

Hadassah Hebrew University Medical Center
Classification: Likely pathogenic for Familial renal glucosuria. Last evaluated: 2019-06-20. Review status: criteria provided, single submitter. Criteria: ACMG Guidelines, 2015. Collection method: clinical testing. Allele origin: germline. Inheritance: Autosomal recessive inheritance. Affected: yes.

NM_003041.4(SLC5A2):c.294_295insTT (p.Glu99fs)

Gene: SLC5A2 (solute carrier family 5 member 2; plus strand). Cytogenetic location: 16p11.2.
Variant type: Insertion.
Coding change: c.294_295insTT on transcript NM_003041.4 (MANE Select); coding-DNA positions 294 to 295, TT inserted.
Protein change: p.Glu99fs; shifts the reading frame from glutamic acid 99.
Molecular consequence: frameshift variant. On other transcripts: non-coding transcript variant (1).
Genome position: GRCh38 VCF-style: chr16-31484914-C-CTT. GRCh37 (hg19) VCF-style: chr16-31496235-C-CTT.
Other names: short protein forms E99fs.
Identifiers: ClinVar variation 804477 (VCV000804477.4), dbSNP rs770214617, ClinGen allele CA8030672.
Genomic context (GRCh38, chr16:31,484,914, plus strand): 5'-TGGCCACTTTGTGGGCCTGGCAGGGACTGGCGCTGCAAGTGGCTTGGCTGTTGCTGGATT[C>CTT]GAGTGGAATGTGAGGCCCTCTTTTTTCCAATAACCCCACCCTCAGTGAGAACACCTGGAA-3'